The following is an entry in ClinVar:

ClinVar aggregate classification (germline): Benign/Likely benign. Review status: criteria provided, multiple submitters, no conflicts (2 of 4 stars). 6 submissions from 6 submitters: Benign (2); Likely benign (4). Last evaluated 2026-02-02.

Conditions:
DNAH1-related disorder. Also called: DNAH1-related condition.
Spermatogenic failure 18. Identifiers: MedGen C4539783, MONDO:0054615, OMIM 617576.
Ciliary dyskinesia, primary, 37 (CILD37). Also called: CILIARY DYSKINESIA, PRIMARY, 37, WITH OR WITHOUT SITUS INVERSUS. Identifiers: MedGen C4539798, MONDO:0033204, OMIM 617577.

Allele frequency attached by ClinVar (database versions not stated): 1000 Genomes Project 0.00200; 1000 Genomes Project 30x 0.00219; TOPMed 0.00484; gnomAD 0.00510 and 0.00533; ESP Exome Variant Server 0.00616.
gnomAD v4.1: 11,237 of 1,613,864 alleles (0.7%); highest among the groups gnomAD compares: Non-Finnish European, 0.8%; 55 homozygotes.

Submissions (6):

Labcorp Genetics (formerly Invitae), Labcorp
Classification: Likely benign for Ciliary dyskinesia, primary, 37; Spermatogenic failure 18. Last evaluated: 2026-02-02. Review status: criteria provided, single submitter. Criteria: Invitae Variant Classification Sherloc (09022015). Collection method: clinical testing. Allele origin: germline.

CeGaT Center for Human Genetics Tuebingen
Classification: Likely benign. Last evaluated: 2026-02-01. Review status: criteria provided, single submitter. Criteria: CeGaT Center For Human Genetics Tuebingen Variant Classification Criteria Version 2. Collection method: clinical testing. Allele origin: germline. Affected: yes. Observed: 11 variant alleles.
Comment: DNAH1: BP4, BS2

PreventionGenetics, part of Exact Sciences
Classification: Benign for DNAH1-related condition. Last evaluated: 2024-12-27. Review status: criteria provided, single submitter. Criteria: ACMG Guidelines, 2015. Collection method: clinical testing. Allele origin: germline.
Comment: This variant is classified as benign based on ACMG/AMP sequence variant interpretation guidelines (Richards et al. 2015 PMID: 25741868, with internal and published modifications).

ARUP Laboratories, Molecular Genetics and Genomics, ARUP Laboratories
Classification: Likely benign. Last evaluated: 2023-10-06. Review status: criteria provided, single submitter. Criteria: ARUP Molecular Germline Variant Investigation Process 2024. Collection method: clinical testing. Allele origin: germline.

Mayo Clinic Laboratories, Mayo Clinic
Classification: Benign. Last evaluated: 2023-06-29. Review status: criteria provided, single submitter. Criteria: ACMG Guidelines, 2015. Collection method: clinical testing. Allele origin: germline. Observed: 2 variant alleles.
Comment: BS1, BP4_strong

Breakthrough Genomics
Classification: Likely benign. Review status: criteria provided, single submitter. Criteria: ACMG Guidelines, 2015. Collection method: not provided. Allele origin: germline. Inheritance: Autosomal recessive inheritance. Affected: yes.

NM_015512.5(DNAH1):c.6676A>G (p.Ile2226Val)

Gene: DNAH1 (dynein axonemal heavy chain 1; plus strand). Cytogenetic location: 3p21.1.
Variant type: single nucleotide variant.
Coding change: c.6676A>G on transcript NM_015512.5 (MANE Select); coding-DNA position 6676, A replaced by G.
Protein change: p.Ile2226Val; replaces isoleucine 2226 with valine.
Molecular consequence: missense variant.
Genome position (GRCh38, 1-based): chr3:52,372,236, A>G. VCF-style: chr3-52372236-A-G. GRCh37 (hg19) VCF-style: chr3-52406252-A-G.
Other names: p.Ile2226Val; short protein forms I2226V.
Identifiers: ClinVar variation 478481 (VCV000478481.44), dbSNP rs112505934, ClinGen allele CA2434610.